The following is an entry in ClinVar:

NM_182914.3(SYNE2):c.19324G>A (p.Ala6442Thr)

Gene: SYNE2 (spectrin repeat containing nuclear envelope protein 2; plus strand). Cytogenetic location: 14q23.2.
Variant type: single nucleotide variant.
Coding change: c.19324G>A on transcript NM_182914.3 (MANE Select); coding-DNA position 19324, G replaced by A.
Protein change: p.Ala6442Thr; replaces alanine 6442 with threonine.
Molecular consequence: missense variant.
Genome position (GRCh38, 1-based): chr14:64,214,461, G>A. VCF-style: chr14-64214461-G-A. GRCh37 (hg19) VCF-style: chr14-64681179-G-A.
Other names: c.19324G>A, p.Ala6442Thr (NM_015180.6); c.226G>A, p.Ala76Thr (NM_182913.4); c.19324G>A (NM_182914.2); short protein forms A6442T, A76T.
Identifiers: ClinVar variation 2149017 (VCV002149017.5), dbSNP rs778042205, ClinGen allele CA7224376.

ClinVar aggregate classification (germline): Uncertain significance (1 of 4 stars; one submission).

Conditions:
Emery-Dreifuss muscular dystrophy 5, autosomal dominant (EDMD5). Also called: EMERY-DREIFUSS MUSCULAR DYSTROPHY 5. Identifiers: Orphanet 261, MedGen C2751805, MONDO:0013072, OMIM 612999.

Allele frequency attached by ClinVar (database versions not stated): ExAC 0.00002.
gnomAD v4.1: 17 of 1,612,246 alleles (0.0011%); highest among the groups gnomAD compares: Non-Finnish European, 0.0014%; no homozygotes.

Submission:

Labcorp Genetics (formerly Invitae), Labcorp
Classification: Uncertain significance for Emery-Dreifuss muscular dystrophy 5, autosomal dominant. Last evaluated: 2022-10-07. Review status: criteria provided, single submitter. Criteria: Invitae Variant Classification Sherloc (09022015). Collection method: clinical testing. Allele origin: germline.
Comment: This sequence change replaces alanine, which is neutral and non-polar, with threonine, which is neutral and polar, at codon 6442 of the SYNE2 protein (p.Ala6442Thr). This variant is present in population databases (rs778042205, gnomAD 0.004%). This variant has not been reported in the literature in individuals affected with SYNE2-related conditions. Algorithms developed to predict the effect of missense changes on protein structure and function are either unavailable or do not agree on the potential impact of this missense change (SIFT: "Tolerated"; PolyPhen-2: "Probably Damaging"; Align-GVGD: "Class C0"). In summary, the available evidence is currently insufficient to determine the role of this variant in disease. Therefore, it has been classified as a Variant of Uncertain Significance.